The following is an entry in ClinVar:

NM_002485.5(NBN):c.379_380delinsTA (p.Ala127Tyr)

Gene: NBN (nibrin; minus strand). Cytogenetic location: 8q21.3.
Variant type: Indel.
Coding change: c.379_380delinsTA on transcript NM_002485.5 (MANE Select); coding-DNA positions 379 to 380, GC replaced by TA.
Protein change: p.Ala127Tyr; replaces alanine 127 with tyrosine.
Molecular consequence: missense variant.
Genome position (GRCh38, 1-based): chr8:89,980,834-89,980,835, GC replaced by TA on the plus strand (GC replaced by TA on the coding strand, the reverse complement: NBN is on the minus strand). VCF-style: chr8-89980834-GC-TA. GRCh37 (hg19) VCF-style: chr8-90993062-GC-TA.
Other names: c.133_134delinsTA, p.Ala45Tyr (NM_001024688.3); short protein forms A45Y, A127Y.
Identifiers: ClinVar variation 2696621 (VCV002696621.3), dbSNP rs2488356565, ClinGen allele CA2697550009.

ClinVar aggregate classification (germline): Uncertain significance (1 of 4 stars; one submission).

Conditions:
Microcephaly, normal intelligence and immunodeficiency (NBS). Also called: Nijmegen breakage syndrome; Microcephaly with normal intelligence immunodeficiency and lymphoreticular malignancies; Nonsyndromal microcephaly autosomal recessive with normal intelligence; Seemanova syndrome 2; BERLIN BREAKAGE SYNDROME; IMMUNODEFICIENCY, MICROCEPHALY, AND CHROMOSOMAL INSTABILITY. Identifiers: Orphanet 647, MedGen C0398791, MONDO:0009623, OMIM 251260.

Submission:

Labcorp Genetics (formerly Invitae), Labcorp
Classification: Uncertain significance for Microcephaly, normal intelligence and immunodeficiency. Last evaluated: 2023-11-17. Review status: criteria provided, single submitter. Criteria: Invitae Variant Classification Sherloc (09022015). Collection method: clinical testing. Allele origin: germline.
Comment: This sequence change replaces alanine, which is neutral and non-polar, with tyrosine, which is neutral and polar, at codon 127 of the NBN protein (p.Ala127Tyr). Information on the frequency of this variant in the gnomAD database is not available, as this variant may be reported differently in the database. This variant has not been reported in the literature in individuals affected with NBN-related conditions. An algorithm developed to predict the effect of missense changes on protein structure and function (PolyPhen-2) suggests that this variant is likely to be disruptive. In summary, the available evidence is currently insufficient to determine the role of this variant in disease. Therefore, it has been classified as a Variant of Uncertain Significance.